The following is an entry in ClinVar:

ClinVar aggregate classification (germline): Uncertain significance (1 of 4 stars; one submission).

Conditions:
TYRP1-related disorder. Also called: TYRP1-related condition.

Submission:

PreventionGenetics, part of Exact Sciences
Classification: Uncertain significance for TYRP1-related condition. Last evaluated: 2023-04-25. Review status: criteria provided, single submitter. Criteria: ACMG Guidelines, 2015. Collection method: clinical testing. Allele origin: germline.
Comment: The TYRP1 c.635A>C variant is predicted to result in the amino acid substitution p.Asp212Ala. To our knowledge, this variant has not been reported in the literature or in a large population database, indicating this variant is rare. At this time, the clinical significance of this variant is uncertain due to the absence of conclusive functional and genetic evidence.

NM_000550.3(TYRP1):c.635A>C (p.Asp212Ala)

Gene: TYRP1 (tyrosinase related protein 1; plus strand). Cytogenetic location: 9p23.
Variant type: single nucleotide variant.
Coding change: c.635A>C on transcript NM_000550.3 (MANE Select); coding-DNA position 635, A replaced by C.
Protein change: p.Asp212Ala; replaces aspartic acid 212 with alanine.
Molecular consequence: missense variant.
Genome position (GRCh38, 1-based): chr9:12,695,764, A>C. VCF-style: chr9-12695764-A-C. GRCh37 (hg19) VCF-style: chr9-12695764-A-C.
Other names: short protein forms D212A.
Identifiers: ClinVar variation 2633335 (VCV002633335.1), dbSNP rs2537276674, ClinGen allele CA372937908.